The following is an entry in ClinVar:

NM_000416.3(IFNGR1):c.1066G>A (p.Val356Met)

Gene: IFNGR1 (interferon gamma receptor 1; minus strand). Cytogenetic location: 6q23.3.
Variant type: single nucleotide variant.
Coding change: c.1066G>A on transcript NM_000416.3 (MANE Select); coding-DNA position 1066, G replaced by A.
Protein change: p.Val356Met; replaces valine 356 with methionine.
Molecular consequence: missense variant.
Genome position (GRCh38, 1-based): chr6:137,198,435, C>T on the plus strand (G>A on the coding strand, the complement: IFNGR1 is on the minus strand). VCF-style: chr6-137198435-C-T. GRCh37 (hg19) VCF-style: chr6-137519572-C-T.
Other names: c.1036G>A, p.Val346Met (NM_001363526.1); c.943G>A, p.Val315Met (NM_001363527.1); short protein forms V346M, V356M, V315M.
Identifiers: ClinVar variation 1401626 (VCV001401626.8), dbSNP rs2114444211, ClinGen allele CA365772888.

ClinVar aggregate classification (germline): Uncertain significance (1 of 4 stars; one submission).

Conditions:
Disseminated atypical mycobacterial infection. Identifiers: MedGen C0694566.

gnomAD v4.1: 5 of 1,614,150 alleles (0.00031%); highest among the groups gnomAD compares: Non-Finnish European, 0.00042%; no homozygotes.

Submission:

Labcorp Genetics (formerly Invitae), Labcorp
Classification: Uncertain significance for Disseminated atypical mycobacterial infection. Last evaluated: 2021-01-02. Review status: criteria provided, single submitter. Criteria: Invitae Variant Classification Sherloc (09022015). Collection method: clinical testing. Allele origin: germline.
Comment: This sequence change replaces valine with methionine at codon 356 of the IFNGR1 protein (p.Val356Met). The valine residue is moderately conserved and there is a small physicochemical difference between valine and methionine. This variant is not present in population databases (ExAC no frequency). This variant has not been reported in the literature in individuals with IFNGR1-related conditions. Algorithms developed to predict the effect of missense changes on protein structure and function output the following: SIFT: "Tolerated"; PolyPhen-2: "Benign"; Align-GVGD: "Class C0". The methionine amino acid residue is found in multiple mammalian species, suggesting that this missense change does not adversely affect protein function. These predictions have not been confirmed by published functional studies and their clinical significance is uncertain. In summary, the available evidence is currently insufficient to determine the role of this variant in disease. Therefore, it has been classified as a Variant of Uncertain Significance.